The following is an entry in ClinVar:

NM_024496.4(IRF2BPL):c.1450TTC[1] (p.Phe485del)

Gene: IRF2BPL (interferon regulatory factor 2 binding protein like; minus strand). Cytogenetic location: 14q24.3.
Variant type: Microsatellite.
Coding change: c.1450TTC[1] on transcript NM_024496.4 (MANE Select); one copy of the 3-base unit TTC starting at c.1450; the reference has two copies in a row; one copy, 3 bases deleted.
Protein change: p.Phe485del; deletes phenylalanine 485.
Genome position (GRCh38, 1-based): chr14:77,026,338-77,026,340, GAA deleted on the plus strand (TTC on the coding strand, the reverse complement: IRF2BPL is on the minus strand); deleting any 3 consecutive bases within chr14:77,026,338-77,026,344 gives the same sequence; the position shown is the placement nearest the transcript's 3' end. VCF-style (leftmost placement, unchanged base first): chr14-77026337-TGAA-T. GRCh37 (hg19) VCF-style: chr14-77492680-TGAA-T.
Other names: short protein forms F485del.
Identifiers: ClinVar variation 4538582 (VCV004538582.2).
Genomic context (GRCh38, chr14:77,026,337, plus strand): 5'-TGGGACAGCTGGCGTCCAGGTAGGGCTGGGGCAGCATGTCGGCGCCGGGCACGCCCTCCT[TGAA>T]GAAGCGCACGGCTTCGGGGAGCAGGTCTCCAAGCAGGCGCCAGTCCCCGGAGCCGTGCTT-3'

ClinVar aggregate classification (germline): Conflicting classifications of pathogenicity. Review status: criteria provided, conflicting classifications (1 of 4 stars). 2 submissions from 2 submitters: Pathogenic (1); Uncertain significance (1). Last evaluated 2025-06-13.

Submissions (2):

GeneDx
Classification: Pathogenic. Last evaluated: 2025-06-13. Review status: criteria provided, single submitter. Criteria: GeneDx Variant Classification Process June 2021. Collection method: clinical testing. Allele origin: germline. Affected: yes.
Comment: Not observed at significant frequency in large population cohorts (gnomAD); In-frame deletion of 1 amino acid(s) in a non-repeat region; In silico analysis supports a deleterious effect on protein structure/function; This variant is associated with the following publications: (PMID: 34102826, 30904718)

Blueprint Genetics
Classification: Uncertain significance. Last evaluated: 2021-05-10. Review status: criteria provided, single submitter. Criteria: ACMG Guidelines, 2015. Collection method: clinical testing. Allele origin: germline.